The following is an entry in ClinVar:

ClinVar aggregate classification (germline): Uncertain significance. Review status: criteria provided, multiple submitters, no conflicts (2 of 4 stars). 2 submissions from 2 submitters: Uncertain significance (2). Last evaluated 2025-09-17.

Conditions:
GLUT1 deficiency syndrome 1, autosomal recessive. Identifiers: MedGen C3149117.

gnomAD v4.1: 4 of 1,614,076 alleles (0.00025%); highest among the groups gnomAD compares: Admixed American, 0.0067%; no homozygotes.

Submissions (2):

Labcorp Genetics (formerly Invitae), Labcorp
Classification: Uncertain significance for GLUT1 deficiency syndrome 1, autosomal recessive. Last evaluated: 2025-09-17. Review status: criteria provided, single submitter. Criteria: Invitae Variant Classification Sherloc (09022015). Collection method: clinical testing. Allele origin: germline.
Comment: This sequence change replaces aspartic acid, which is acidic and polar, with tyrosine, which is neutral and polar, at codon 236 of the SLC2A1 protein (p.Asp236Tyr). This variant is present in population databases (rs771662171, gnomAD 0.006%). This variant has not been reported in the literature in individuals affected with SLC2A1-related conditions. ClinVar contains an entry for this variant (Variation ID: 1676411). Invitae Evidence Modeling of protein sequence and biophysical properties (such as structural, functional, and spatial information, amino acid conservation, physicochemical variation, residue mobility, and thermodynamic stability) indicates that this missense variant is expected to disrupt SLC2A1 protein function with a positive predictive value of 95%. In summary, the available evidence is currently insufficient to determine the role of this variant in disease. Therefore, it has been classified as a Variant of Uncertain Significance.

GeneDx
Classification: Uncertain significance. Last evaluated: 2022-03-28. Review status: criteria provided, single submitter. Criteria: GeneDx Variant Classification Process June 2021. Collection method: clinical testing. Allele origin: germline. Affected: yes.
Comment: In silico analysis supports that this missense variant has a deleterious effect on protein structure/function; Has not been previously published as pathogenic or benign to our knowledge

NM_006516.4(SLC2A1):c.706G>T (p.Asp236Tyr)

Gene: SLC2A1 (solute carrier family 2 member 1; minus strand). Cytogenetic location: 1p34.2.
Variant type: single nucleotide variant.
Coding change: c.706G>T on transcript NM_006516.4 (MANE Select); coding-DNA position 706, G replaced by T.
Protein change: p.Asp236Tyr; replaces aspartic acid 236 with tyrosine.
Molecular consequence: missense variant.
Genome position (GRCh38, 1-based): chr1:42,929,754, C>A on the plus strand (G>T on the coding strand, the complement: SLC2A1 is on the minus strand). VCF-style: chr1-42929754-C-A. GRCh37 (hg19) VCF-style: chr1-43395425-C-A.
Other names: short protein forms D236Y.
Identifiers: ClinVar variation 1676411 (VCV001676411.3), dbSNP rs771662171, ClinGen allele CA803461.